The following is an entry in ClinVar:

ClinVar aggregate classification (germline): Uncertain significance (1 of 4 stars; one submission).

Conditions:
PCNT-related disorder. Also called: PCNT-related condition.

Submission:

PreventionGenetics, part of Exact Sciences
Classification: Uncertain significance for PCNT-related condition. Last evaluated: 2026-02-06. Review status: criteria provided, single submitter. Criteria: ACMG Guidelines, 2015. Collection method: clinical testing. Allele origin: germline.
Comment: The PCNT c.3073G>A variant is predicted to result in the amino acid substitution p.Gly1025Arg. To our knowledge, this variant has not been reported in the literature or in a large population database (gnomAD), indicating this variant is rare. At this time, the clinical significance of this variant is uncertain due to the absence of conclusive functional and genetic evidence.

NM_006031.6(PCNT):c.3073G>A (p.Gly1025Arg)

Gene: PCNT (pericentrin; plus strand). Cytogenetic location: 21q22.3.
Variant type: single nucleotide variant.
Coding change: c.3073G>A on transcript NM_006031.6 (MANE Select); coding-DNA position 3073, G replaced by A.
Protein change: p.Gly1025Arg; replaces glycine 1025 with arginine.
Molecular consequence: missense variant.
Genome position (GRCh38, 1-based): chr21:46,367,047, G>A. VCF-style: chr21-46367047-G-A. GRCh37 (hg19) VCF-style: chr21-47786962-G-A.
Other names: c.2719G>A, p.Gly907Arg (NM_001315529.2); short protein forms G1025R, G907R.
Identifiers: ClinVar variation 4987256 (VCV004987256.1).